The following is an entry in ClinVar:

NM_021008.4(DEAF1):c.1640C>G (p.Thr547Ser)

Gene: DEAF1 (DEAF1 transcription factor; minus strand). Cytogenetic location: 11p15.5.
Variant type: single nucleotide variant.
Coding change: c.1640C>G on transcript NM_021008.4 (MANE Select); coding-DNA position 1640, C replaced by G.
Protein change: p.Thr547Ser; replaces threonine 547 with serine.
Molecular consequence: missense variant.
Genome position (GRCh38, 1-based): chr11:644,608, G>C on the plus strand (C>G on the coding strand, the complement: DEAF1 is on the minus strand). VCF-style: chr11-644608-G-C. GRCh37 (hg19) VCF-style: chr11-644608-G-C.
Other names: c.1415C>G, p.Thr472Ser (NM_001293634.2); c.914C>G, p.Thr305Ser (NM_001367390.1); short protein forms T305S, T472S, T547S.
Identifiers: ClinVar variation 1089738 (VCV001089738.47), dbSNP rs111947578, ClinGen allele CA5786099.

ClinVar aggregate classification (germline): Conflicting classifications of pathogenicity. Review status: criteria provided, conflicting classifications (1 of 4 stars). 5 submissions from 5 submitters: Uncertain significance (2); Likely benign (3). Last evaluated 2026-01-05.

Conditions:
Intellectual disability, autosomal dominant 24 (VSVS). Also called: VULTO-VAN SILFHOUT-DE VRIES SYNDROME. Identifiers: MedGen C4014414, MONDO:0014357, OMIM 615828.

Allele frequency attached by ClinVar (database versions not stated): gnomAD 0.00043 and 0.00046; gnomAD exomes 0.00044; ESP Exome Variant Server 0.00046; ExAC 0.00050.
gnomAD v4.1: 698 of 1,612,906 alleles (0.043%); highest among the groups gnomAD compares: Non-Finnish European, 0.056%; 1 homozygote.

Submissions (5):

Labcorp Genetics (formerly Invitae), Labcorp
Classification: Likely benign. Last evaluated: 2026-01-05. Review status: criteria provided, single submitter. Criteria: Invitae Variant Classification Sherloc (09022015). Collection method: clinical testing. Allele origin: germline.

CeGaT Center for Human Genetics Tuebingen
Classification: Likely benign. Last evaluated: 2025-02-01. Review status: criteria provided, single submitter. Criteria: CeGaT Center For Human Genetics Tuebingen Variant Classification Criteria Version 2. Collection method: clinical testing. Allele origin: germline. Affected: yes. Observed: 6 variant alleles.
Comment: DEAF1: BP4, BS2

ARUP Laboratories, Molecular Genetics and Genomics, ARUP Laboratories
Classification: Uncertain significance. Last evaluated: 2024-11-07. Review status: criteria provided, single submitter. Criteria: ARUP Molecular Germline Variant Investigation Process 2024. Collection method: clinical testing. Allele origin: germline.

Department of Pathology and Laboratory Medicine, Sinai Health System
Classification: Likely benign for intellectual disability, autosomal dominant 24. Last evaluated: 2023-05-20. Review status: criteria provided, single submitter. Criteria: ACMG Guidelines, 2015. Collection method: research. Allele origin: germline.

Revvity Omics, Revvity
Classification: Uncertain significance. Last evaluated: 2022-03-31. Review status: criteria provided, single submitter. Criteria: ACMG Guidelines, 2015. Collection method: clinical testing. Allele origin: germline.